The following is an entry in ClinVar:

NM_206933.4(USH2A):c.1174C>T (p.Pro392Ser)

Gene: USH2A (usherin; minus strand). Cytogenetic location: 1q41.
Variant type: single nucleotide variant.
Coding change: c.1174C>T on transcript NM_206933.4 (MANE Select); coding-DNA position 1174, C replaced by T.
Protein change: p.Pro392Ser; replaces proline 392 with serine.
Molecular consequence: missense variant.
Genome position (GRCh38, 1-based): chr1:216,324,322, G>A on the plus strand (C>T on the coding strand, the complement: USH2A is on the minus strand). VCF-style: chr1-216324322-G-A. GRCh37 (hg19) VCF-style: chr1-216497664-G-A.
Other names: c.1174C>T, p.Pro392Ser (NM_007123.6); short protein forms P392S.
Identifiers: ClinVar variation 2154988 (VCV002154988.2), dbSNP rs563239301, ClinGen allele CA37898355.
Genomic context (GRCh38, chr1:216,324,322, plus strand): 5'-AGTCCTCCCAATCTAAACTATTTTCCTTCTTCCTTTGAATCCTTATTTCCGTTGGTTGTG[G>A]ACTAAAGAACTGAATGATAATATAAAACACCTGAAAATGGAAAGTTAATTAATGTAATTA-3'
Protein context (NP_996816.3, residues 382-402): VFYIIIQFFS[Pro392Ser]QPTEIRIQRK

ClinVar aggregate classification (germline): Uncertain significance. Review status: criteria provided, multiple submitters, no conflicts (2 of 4 stars). 2 submissions from 2 submitters: Uncertain significance (2). Last evaluated 2022-06-23.

Allele frequency attached by ClinVar (database versions not stated): gnomAD 0.00001; gnomAD exomes 0.00001; 1000 Genomes Project 30x 0.00016; 1000 Genomes Project 0.00020.

Submissions (2):

Blueprint Genetics
Classification: Uncertain significance. Last evaluated: 2022-06-23. Review status: criteria provided, single submitter. Criteria: ACMG Guidelines, 2015. Collection method: clinical testing. Allele origin: germline.

Labcorp Genetics (formerly Invitae), Labcorp
Classification: Uncertain significance. Last evaluated: 2022-06-02. Review status: criteria provided, single submitter. Criteria: Invitae Variant Classification Sherloc (09022015). Collection method: clinical testing. Allele origin: germline.
Comment: This sequence change replaces proline, which is neutral and non-polar, with serine, which is neutral and polar, at codon 392 of the USH2A protein (p.Pro392Ser). This variant is present in population databases (rs563239301, gnomAD 0.007%). This missense change has been observed in individual(s) with clinical features of Usher syndrome (PMID: 22135276). Algorithms developed to predict the effect of missense changes on protein structure and function (SIFT, PolyPhen-2, Align-GVGD) all suggest that this variant is likely to be tolerated. In summary, the available evidence is currently insufficient to determine the role of this variant in disease. Therefore, it has been classified as a Variant of Uncertain Significance.

Literature cited by the submitters: PubMed 22135276 (cited by Labcorp Genetics (formerly Invitae), Labcorp).